The following is an entry in ClinVar:

NM_015681.6(B9D1):c.472+82T>C

Gene: B9D1 (B9 domain containing 1; minus strand). Cytogenetic location: 17p11.2.
Variant type: single nucleotide variant.
Coding change: c.472+82T>C on transcript NM_015681.6 (MANE Select); 82 bases into the intron after coding-DNA position 472, T replaced by C.
Molecular consequence: intron variant. On other transcripts: 3 prime UTR variant (1).
Genome position (GRCh38, 1-based): chr17:19,343,708, A>G on the plus strand (T>C on the coding strand, the complement: B9D1 is on the minus strand). VCF-style: chr17-19343708-A-G. GRCh37 (hg19) VCF-style: chr17-19247021-A-G.
Other names: c.*2T>C (NM_001321215.3); c.112+82T>C (NM_001368769.2); c.404+3561T>C (NM_001321219.2); c.472+82T>C (NM_001321218.2, NM_001321217.2, NM_001321214.2 and 1 more transcripts).
Identifiers: ClinVar variation 4086483 (VCV004086483.2).
Genomic context (GRCh38, chr17:19,343,708, plus strand): 5'-CCAGGCCCTCATCTGGGAACATTTGTGGGCTAGCTCCTATGTGCCTGGCAGGTCCCCGGC[A>G]TTCACCCCAACCCTGGGCCCACCCACTCCCAGGCTGTAACCTGTATGGGGGATGGGGGTA-3'

ClinVar aggregate classification (germline): Conflicting classifications of pathogenicity. Review status: criteria provided, conflicting classifications (1 of 4 stars). 2 submissions from 2 submitters: Uncertain significance (1); Likely benign (1). Last evaluated 2025-03-14.

gnomAD v4.1: 331 of 1,613,266 alleles (0.021%); highest among the groups gnomAD compares: Non-Finnish European, 0.026%; no homozygotes.

Submissions (2):

GeneDx
Classification: Uncertain significance. Last evaluated: 2025-03-14. Review status: criteria provided, single submitter. Criteria: GeneDx Variant Classification Process June 2021. Collection method: clinical testing. Allele origin: germline. Affected: yes.
Comment: Not observed at significant frequency in large population cohorts (gnomAD); In silico analysis indicates that this missense variant does not alter protein structure/function; Has not been previously published as pathogenic or benign to our knowledge; Reported using an alternate transcript of the gene

Blueprint Genetics
Classification: Likely benign. Last evaluated: 2022-12-08. Review status: criteria provided, single submitter. Criteria: ACMG Guidelines, 2015. Collection method: clinical testing. Allele origin: germline.